The following is an entry in ClinVar:

NM_003185.4(TAF4):c.493G>T (p.Ala165Ser)

Gene: TAF4 (TATA-box binding protein associated factor 4; minus strand). Cytogenetic location: 20q13.33.
Variant type: single nucleotide variant.
Coding change: c.493G>T on transcript NM_003185.4 (MANE Select); coding-DNA position 493, G replaced by T.
Protein change: p.Ala165Ser; replaces alanine 165 with serine.
Molecular consequence: missense variant.
Genome position (GRCh38, 1-based): chr20:62,065,318, C>A on the plus strand (G>T on the coding strand, the complement: TAF4 is on the minus strand). VCF-style: chr20-62065318-C-A. GRCh37 (hg19) VCF-style: chr20-60640374-C-A.
Other names: short protein forms A165S.
Identifiers: ClinVar variation 4883702 (VCV004883702.2).
Genomic context (GRCh38, chr20:62,065,318, plus strand): 5'-CAGGGCCGGGGCCGGGGCCGGGGCCGGGCCCGGGGCCGGGGCCGGCGCGGGCGGCCAGCG[C>A]GGCGGGGCCGGCGGGCTTGGCGGGGCCGGCGGGGGCGGGCTCGGGCCCCGCGGCGACGGC-3'
Protein context (NP_003176.2, residues 155-175): AGPAKPAGPA[Ala165Ser]LAARAGPGPG

ClinVar aggregate classification (germline): Uncertain significance (1 of 4 stars; one submission).

Conditions:
Intellectual developmental disorder, autosomal dominant 73 (MRD73). Also called: TAF4-RELATED NDD; TAF4-RELATED NEURODEVELOPMENTAL DISORDER. Identifiers: MedGen C5830636, MONDO:0957536, OMIM 620450.

Submission:

Dasa
Classification: Uncertain significance for Intellectual developmental disorder, autosomal dominant 73. Last evaluated: 2026-01-29. Review status: criteria provided, single submitter. Criteria: DASA Assertion Criteria. Collection method: clinical testing. Allele origin: germline.
Comment: NM_003185.4(TAF4):c.493G>T (p.Ala165Ser) is a missense variant that results in the substitution of alanine with serine. This variant is rare in population databases. Computational prediction algorithms are consistent with a benign effect. The currently available literature and clinical evidence are not sufficient to establish a definitive association between this variant and the reported condition. Therefore, this variant is classified as a variant of uncertain significance.